The following is an entry in ClinVar:

NM_001942.4(DSG1):c.668A>G (p.Asn223Ser)

Gene: DSG1 (desmoglein 1; plus strand). Cytogenetic location: 18q12.1.
Variant type: single nucleotide variant.
Coding change: c.668A>G on transcript NM_001942.4 (MANE Select); coding-DNA position 668, A replaced by G.
Protein change: p.Asn223Ser; replaces asparagine 223 with serine.
Molecular consequence: missense variant.
Genome position (GRCh38, 1-based): chr18:31,331,851, A>G. VCF-style: chr18-31331851-A-G. GRCh37 (hg19) VCF-style: chr18-28911814-A-G.
Other names: short protein forms N223S.
Identifiers: ClinVar variation 2978041 (VCV002978041.3), dbSNP rs777751796, ClinGen allele CA8925900.

ClinVar aggregate classification (germline): Uncertain significance (1 of 4 stars; one submission).

Allele frequency attached by ClinVar (database versions not stated): gnomAD exomes 0.00001; ExAC 0.00002.
gnomAD v4.1: 5 of 1,612,250 alleles (0.00031%); highest among the groups gnomAD compares: Admixed American, 0.0067%; no homozygotes.

Submission:

Labcorp Genetics (formerly Invitae), Labcorp
Classification: Uncertain significance. Last evaluated: 2023-03-24. Review status: criteria provided, single submitter. Criteria: Invitae Variant Classification Sherloc (09022015). Collection method: clinical testing. Allele origin: germline.
Comment: Advanced modeling of protein sequence and biophysical properties (such as structural, functional, and spatial information, amino acid conservation, physicochemical variation, residue mobility, and thermodynamic stability) performed at Invitae indicates that this missense variant is not expected to disrupt DSG1 protein function. In summary, the available evidence is currently insufficient to determine the role of this variant in disease. Therefore, it has been classified as a Variant of Uncertain Significance. This sequence change replaces asparagine, which is neutral and polar, with serine, which is neutral and polar, at codon 223 of the DSG1 protein (p.Asn223Ser). This variant is present in population databases (rs777751796, gnomAD 0.01%). This variant has not been reported in the literature in individuals affected with DSG1-related conditions.